The following is an entry in ClinVar:

NM_001042432.2(CLN3):c.159G>A (p.Val53=)

Gene: CLN3 (CLN3 lysosomal/endosomal transmembrane protein, battenin; minus strand). Cytogenetic location: 16p12.1.
Variant type: single nucleotide variant.
Coding change: c.159G>A on transcript NM_001042432.2 (MANE Select); coding-DNA position 159, G replaced by A.
Protein change: p.Val53=; no amino-acid change (valine 53 retained).
Molecular consequence: synonymous variant. On other transcripts: 5 prime UTR variant (3).
Genome position (GRCh38, 1-based): chr16:28,489,353, C>T on the plus strand (G>A on the coding strand, the complement: CLN3 is on the minus strand). VCF-style: chr16-28489353-C-T. GRCh37 (hg19) VCF-style: chr16-28500674-C-T.
Other names: c.159G>A, p.Val53= (NM_000086.2, NM_001286104.2); c.-62G>A (NM_001286105.2); c.-4G>A (NM_001286109.2, NM_001286110.2).
Identifiers: ClinVar variation 1060498 (VCV001060498.6), dbSNP rs2046275556, ClinGen allele CA494272954.

ClinVar aggregate classification (germline): Uncertain significance (1 of 4 stars; one submission).

Conditions:
Neuronal ceroid lipofuscinosis. Also called: Neuronal Ceroid Lipofuscinoses. Identifiers: Orphanet 216, Orphanet 79263, MedGen C0027877, MONDO:0016295. Disease mechanism: loss of function.

Allele frequency attached by ClinVar (database versions not stated): TOPMed below 0.00001.

Submission:

Labcorp Genetics (formerly Invitae), Labcorp
Classification: Uncertain significance for Neuronal ceroid lipofuscinosis. Last evaluated: 2021-09-01. Review status: criteria provided, single submitter. Criteria: Invitae Variant Classification Sherloc (09022015). Collection method: clinical testing. Allele origin: germline.
Comment: This sequence change affects codon 53 of the CLN3 mRNA. It is a 'silent' change, meaning that it does not change the encoded amino acid sequence of the CLN3 protein. This variant is not present in population databases (ExAC no frequency). This variant has not been reported in the literature in individuals affected with CLN3-related conditions. Algorithms developed to predict the effect of sequence changes on RNA splicing suggest that this variant may create or strengthen a splice site. In summary, the available evidence is currently insufficient to determine the role of this variant in disease. Therefore, it has been classified as a Variant of Uncertain Significance.